The following is an entry in ClinVar:

ClinVar aggregate classification (germline): Uncertain significance. Review status: criteria provided, multiple submitters, no conflicts (2 of 4 stars). 10 submissions from 10 submitters: Uncertain significance (10). Last evaluated 2025-12-01.

Conditions:
Familial thoracic aortic aneurysm and aortic dissection (TAAD). Also called: Thoracic aortic aneurysms and dissections. Identifiers: Orphanet 91387, MedGen C4707243, MONDO:0019625.
Aortic aneurysm, familial thoracic 4 (AAT4). Also called: AORTIC ANEURYSM/AORTIC DISSECTION AND PATENT DUCTUS ARTERIOSUS. Identifiers: MedGen C1851504, MONDO:0007568, OMIM 132900.

Allele frequency attached by ClinVar (database versions not stated): gnomAD exomes 0.00001 and 0.00002; ExAC 0.00002; gnomAD 0.00002 and 0.00003; TOPMed 0.00003; ESP Exome Variant Server 0.00008.

Submissions (10):

Labcorp Genetics (formerly Invitae), Labcorp
Classification: Uncertain significance for Aortic aneurysm, familial thoracic 4. Last evaluated: 2025-12-01. Review status: criteria provided, single submitter. Criteria: Invitae Variant Classification Sherloc (09022015). Collection method: clinical testing. Allele origin: germline.
Comment: This sequence change replaces arginine, which is basic and polar, with tryptophan, which is neutral and slightly polar, at codon 1121 of the MYH11 protein (p.Arg1121Trp). This variant is present in population databases (rs202004234, gnomAD 0.004%). This variant has not been reported in the literature in individuals affected with MYH11-related conditions. ClinVar contains an entry for this variant (Variation ID: 201062). Invitae Evidence Modeling of protein sequence and biophysical properties (such as structural, functional, and spatial information, amino acid conservation, physicochemical variation, residue mobility, and thermodynamic stability) indicates that this missense variant is not expected to disrupt MYH11 protein function with a negative predictive value of 80%. In summary, the available evidence is currently insufficient to determine the role of this variant in disease. Therefore, it has been classified as a Variant of Uncertain Significance.

GeneDx
Classification: Uncertain significance. Last evaluated: 2024-05-31. Review status: criteria provided, single submitter. Criteria: GeneDx Variant Classification Process June 2021. Collection method: clinical testing. Allele origin: germline. Affected: yes.
Comment: Has not been previously published as pathogenic or benign to our knowledge; Not observed at significant frequency in large population cohorts (gnomAD); In silico analysis supports that this missense variant has a deleterious effect on protein structure/function

Blueprint Genetics
Classification: Uncertain significance. Last evaluated: 2024-04-12. Review status: criteria provided, single submitter. Criteria: ACMG Guidelines, 2015. Collection method: clinical testing. Allele origin: germline.

Color Diagnostics, LLC DBA Color Health
Classification: Uncertain significance for Familial thoracic aortic aneurysm and aortic dissection. Last evaluated: 2024-03-06. Review status: criteria provided, single submitter. Criteria: ACMG Guidelines, 2015. Collection method: clinical testing. Allele origin: germline.
Comment: This missense variant replaces arginine with tryptophan at codon 1121 of the MYH11 protein. Computational prediction suggests that this variant may have deleterious impact on protein structure and function (internally defined REVEL score threshold >= 0.7, PMID: 27666373). To our knowledge, functional studies have not been reported for this variant. This variant has not been reported in individuals affected with MYH11-related disorders in the literature. This variant has been identified in 3/251484 chromosomes in the general population by the Genome Aggregation Database (gnomAD). The available evidence is insufficient to determine the role of this variant in disease conclusively. Therefore, this variant is classified as a Variant of Uncertain Significance.

All of Us Research Program, National Institutes of Health
Classification: Uncertain significance for Familial thoracic aortic aneurysm and aortic dissection. Last evaluated: 2024-01-11. Review status: criteria provided, single submitter. Criteria: ACMG Guidelines, 2015. Collection method: clinical testing. Allele origin: germline. Inheritance: Autosomal dominant inheritance. Observed: 3 variant alleles, 3 heterozygotes.
Comment: Variant of Uncertain Significance due to insufficient evidence: This missense variant is located in the coiled coil myosin tail domain of the MYH11 protein. Computational prediction tools and conservation analyses suggest that this variant may have deleterious impact on the protein function. Computational splicing tools suggest that this variant may not impact RNA splicing. To our knowledge, functional assays have not been performed for this variant nor has this variant been reported in individuals affected with cardiovascular disorders in the literature. This variant has been identified in 5/246268 chromosomes in the general population by the Genome Aggregation Database (gnomAD). Available evidence is insufficient to determine the pathogenicity of this variant conclusively.

This study involves interpretation of variants in research participants for the purpose of population health screening. Participant phenotype was not available at the time of variant classification. Additional details can be found in publication PMID: 35346344, PMCID: PMC8962531

Ambry Genetics
Classification: Uncertain significance for Familial thoracic aortic aneurysm and aortic dissection. Last evaluated: 2022-02-10. Review status: criteria provided, single submitter. Criteria: Ambry Variant Classification Scheme 2023. Collection method: clinical testing. Allele origin: germline.
Comment: The p.R1114W variant (also known as c.3340C>T), located in coding exon 25 of the MYH11 gene, results from a C to T substitution at nucleotide position 3340. The arginine at codon 1114 is replaced by tryptophan, an amino acid with dissimilar properties. This amino acid position is conserved. In addition, the in silico prediction for this alteration is inconclusive. Since supporting evidence is limited at this time, the clinical significance of this alteration remains unclear.

Centre of Medical Genetics, University Hospital Muenster
Classification: Uncertain significance. Last evaluated: 2021-12-17. Review status: criteria provided, single submitter. Criteria: ACMG Guidelines, 2015. Collection method: clinical testing. Allele origin: unknown. Affected: yes. Observed: 1 variant allele, 1 heterozygote.
Comment: ACMG categories: PM2,PP3,BP1

AiLife Diagnostics
Classification: Uncertain significance. Last evaluated: 2021-07-29. Review status: criteria provided, single submitter. Criteria: ACMG Guidelines, 2015. Collection method: clinical testing. Allele origin: germline. Affected: yes. Observed: 1 variant allele.

Fulgent Genetics
Classification: Uncertain significance for Aortic aneurysm, familial thoracic 4. Last evaluated: 2018-10-31. Review status: criteria provided, single submitter. Criteria: ACMG Guidelines, 2015. Collection method: clinical testing. Allele origin: unknown.

Illumina Laboratory Services, Illumina
Classification: Uncertain significance for Aortic aneurysm, familial thoracic 4. Last evaluated: 2017-04-28. Review status: criteria provided, single submitter. Criteria: ICSL Variant Classification Criteria 13 December 2019. Collection method: clinical testing. Allele origin: germline.

NM_002474.3(MYH11):c.3340C>T (p.Arg1114Trp)

Gene: MYH11 (myosin heavy chain 11; minus strand). Cytogenetic location: 16p13.11.
Variant type: single nucleotide variant.
Coding change: c.3340C>T on transcript NM_002474.3 (MANE Select); coding-DNA position 3340, C replaced by T.
Protein change: p.Arg1114Trp; replaces arginine 1114 with tryptophan.
Molecular consequence: missense variant.
Genome position (GRCh38, 1-based): chr16:15,735,532, G>A on the plus strand (C>T on the coding strand, the complement: MYH11 is on the minus strand). VCF-style: chr16-15735532-G-A. GRCh37 (hg19) VCF-style: chr16-15829389-G-A.
Other names: p.R1114W:CGG>TGG; c.3361C>T, p.Arg1121Trp (NM_001040113.2, NM_001040114.2); c.3340C>T, p.Arg1114Trp (NM_022844.3); short protein forms R1114W, R1121W.
Identifiers: ClinVar variation 201062 (VCV000201062.27), dbSNP rs202004234, ClinGen allele CA306528.